The following is an entry in ClinVar:

ClinVar aggregate classification (germline): Uncertain significance. Review status: criteria provided, multiple submitters, no conflicts (2 of 4 stars). 3 submissions from 3 submitters: Uncertain significance (2). 1 of the submissions does not count toward it. Last evaluated 2022-08-09.

Conditions:
Late-infantile neuronal ceroid lipofuscinosis. Also called: Jansky-Bielschowsky disease. Identifiers: MedGen C0022340, MONDO:0015674.
Inborn genetic diseases. Identifiers: MedGen C0950123, MeSH D030342.

Allele frequency attached by ClinVar (database versions not stated): gnomAD exomes 0.00001; ExAC 0.00002.
gnomAD v4.1: 11 of 1,614,146 alleles (0.00068%); highest among the groups gnomAD compares: Admixed American, 0.0017%; no homozygotes.

Submissions (3):

Blueprint Genetics
Classification: Uncertain significance. Last evaluated: 2022-08-09. Review status: criteria provided, single submitter. Criteria: ACMG Guidelines, 2015. Collection method: clinical testing. Allele origin: germline.

Ambry Genetics
Classification: Uncertain significance for Inborn genetic diseases. Last evaluated: 2017-01-26. Review status: criteria provided, single submitter. Criteria: Ambry Variant Classification Scheme 2023. Collection method: clinical testing. Allele origin: germline.
Comment: The p.S129F variant (also known as c.386C>T), located in coding exon 4 of the MFSD8 gene, results from a C to T substitution at nucleotide position 386. The serine at codon 129 is replaced by phenylalanine, an amino acid with highly dissimilar properties. This amino acid position is well conserved in available vertebrate species. In addition, this alteration is predicted to be tolerated by in silico analysis. Since supporting evidence is limited at this time, the clinical significance of this alteration remains unclear.

Natera, Inc.
Classification: Uncertain significance for Late-infantile neuronal ceroid lipofuscinosis. Last evaluated: 2019-11-11. Review status: no assertion criteria provided. Collection method: clinical testing. Allele origin: germline. Not counted in ClinVar's aggregate classification.

NM_001371596.2(MFSD8):c.386C>T (p.Ser129Phe)

Gene: MFSD8 (major facilitator superfamily domain containing 8; minus strand). Cytogenetic location: 4q28.2.
Variant type: single nucleotide variant.
Coding change: c.386C>T on transcript NM_001371596.2 (MANE Select); coding-DNA position 386, C replaced by T.
Protein change: p.Ser129Phe; replaces serine 129 with phenylalanine.
Molecular consequence: missense variant.
Genome position (GRCh38, 1-based): chr4:127,943,805, G>A on the plus strand (C>T on the coding strand, the complement: MFSD8 is on the minus strand). VCF-style: chr4-127943805-G-A. GRCh37 (hg19) VCF-style: chr4-128864960-G-A.
Other names: c.386C>T, p.Ser129Phe (NM_001363520.3, NM_001363521.3, NM_001371591.2 and 5 more transcripts); c.251C>T, p.Ser84Phe (NM_001371590.2, NM_001371595.1, NM_001410765.1); short protein forms S129F, S84F.
Identifiers: ClinVar variation 590031 (VCV000590031.9), dbSNP rs769677706, ClinGen allele CA3077492.